The following is an entry in ClinVar:

NM_000059.4(BRCA2):c.3398C>T (p.Pro1133Leu)

Gene: BRCA2 (BRCA2 DNA repair associated; plus strand). Cytogenetic location: 13q13.1.
Variant type: single nucleotide variant.
Coding change: c.3398C>T on transcript NM_000059.4 (MANE Select); coding-DNA position 3398, C replaced by T.
Protein change: p.Pro1133Leu; replaces proline 1133 with leucine.
Molecular consequence: missense variant.
Genome position (GRCh38, 1-based): chr13:32,337,753, C>T. VCF-style: chr13-32337753-C-T. GRCh37 (hg19) VCF-style: chr13-32911890-C-T.
Other names: short protein forms P1133L.
Identifiers: ClinVar variation 481549 (VCV000481549.14), dbSNP rs1170876773, ClinGen allele CA387776467.

ClinVar aggregate classification (germline): Conflicting classifications of pathogenicity. Review status: criteria provided, conflicting classifications (1 of 4 stars). 3 submissions from 3 submitters: Uncertain significance (2); Likely benign (1). Last evaluated 2023-10-13.

Conditions:
Hereditary cancer-predisposing syndrome. Also called: Neoplastic Syndromes, Hereditary; Tumor predisposition; Hereditary Cancer Syndrome; Hereditary neoplastic syndrome. Identifiers: Orphanet 140162, MedGen C0027672, MeSH D009386, MONDO:0015356.
Hereditary breast ovarian cancer syndrome. Also called: Hereditary breast and ovarian cancer syndrome; Hereditary breast and ovarian cancer; Hereditary breast and ovarian cancer syndrome (HBOC); Breast and ovarian cancer; Hereditary breast and/or ovarian cancer syndrome; BRCA1- and BRCA2-Associated Hereditary Breast and Ovarian Cancer. Identifiers: Orphanet 145, MedGen C0677776, MeSH D061325, MONDO:0003582. Disease mechanism: loss of function.

Submissions (3):

Ambry Genetics
Classification: Uncertain significance for Hereditary cancer-predisposing syndrome. Last evaluated: 2023-10-13. Review status: criteria provided, single submitter. Criteria: Ambry Variant Classification Scheme 2023. Collection method: clinical testing. Allele origin: germline.
Comment: The p.P1133L variant (also known as c.3398C>T), located in coding exon 10 of the BRCA2 gene, results from a C to T substitution at nucleotide position 3398. The proline at codon 1133 is replaced by leucine, an amino acid with similar properties. This amino acid position is not well conserved in available vertebrate species. In addition, this alteration is predicted to be tolerated by in silico analysis. Since supporting evidence is limited at this time, the clinical significance of this alteration remains unclear.

University of Washington Department of Laboratory Medicine, University of Washington
Classification: Likely benign for Hereditary cancer-predisposing syndrome. Last evaluated: 2023-03-23. Review status: criteria provided, single submitter. Criteria: Dines et al. (Genet Med. 2020). Collection method: curation. Allele origin: germline.
Comment: Missense variant in a coldspot region where missense variants are very unlikely to be pathogenic (PMID:31911673).

BRCA2 exon 11 coldspot. Reclassification based on statistical prior probability.

Labcorp Genetics (formerly Invitae), Labcorp
Classification: Uncertain significance for Hereditary breast ovarian cancer syndrome. Last evaluated: 2022-02-07. Review status: criteria provided, single submitter. Criteria: Invitae Variant Classification Sherloc (09022015). Collection method: clinical testing. Allele origin: germline.
Comment: In summary, the available evidence is currently insufficient to determine the role of this variant in disease. Therefore, it has been classified as a Variant of Uncertain Significance. Advanced modeling of protein sequence and biophysical properties (such as structural, functional, and spatial information, amino acid conservation, physicochemical variation, residue mobility, and thermodynamic stability) performed at Invitae indicates that this missense variant is not expected to disrupt BRCA2 protein function. ClinVar contains an entry for this variant (Variation ID: 481549). This variant has not been reported in the literature in individuals affected with BRCA2-related conditions. This variant is not present in population databases (gnomAD no frequency). This sequence change replaces proline, which is neutral and non-polar, with leucine, which is neutral and non-polar, at codon 1133 of the BRCA2 protein (p.Pro1133Leu).